The following is an entry in ClinVar:

NM_001110556.2(FLNA):c.374-12T>C

Gene: FLNA (filamin A; minus strand). Cytogenetic location: Xq28.
Variant type: single nucleotide variant.
Coding change: c.374-12T>C on transcript NM_001110556.2 (MANE Select); 12 bases into the intron before coding-DNA position 374, T replaced by C.
Molecular consequence: intron variant.
Genome position (GRCh38, 1-based): chrX:154,368,102, A>G on the plus strand (T>C on the coding strand, the complement: FLNA is on the minus strand). VCF-style: chrX-154368102-A-G. GRCh37 (hg19) VCF-style: chrX-153596470-A-G.
Other names: c.374-12T>C (NM_001456.4).
Identifiers: ClinVar variation 388834 (VCV000388834.1), dbSNP rs1057523243, ClinGen allele CA16608341.

ClinVar aggregate classification (germline): Likely benign (1 of 4 stars; one submission).

Submission:

GeneDx
Classification: Likely benign. Last evaluated: 2016-08-24. Review status: criteria provided, single submitter. Criteria: GeneDx Variant Classification (06012015). Collection method: clinical testing. Allele origin: germline. Affected: yes.
Comment: This variant is considered likely benign or benign based on one or more of the following criteria: it is a conservative change, it occurs at a poorly conserved position in the protein, it is predicted to be benign by multiple in silico algorithms, and/or has population frequency not consistent with disease.